The following is an entry in ClinVar:

NM_001197104.2(KMT2A):c.188CGG[8] (p.Ala67_Gly68insAlaAlaAla)

Gene: KMT2A (lysine methyltransferase 2A; plus strand). Cytogenetic location: 11q23.3.
Variant type: Microsatellite.
Coding change: c.188CGG[8] on transcript NM_001197104.2 (MANE Select); eight copies in a row of the 3-base unit CGG starting at c.188; the reference has five copies in a row; three copies, 9 bases duplicated.
Protein change: p.Ala67_Gly68insAlaAlaAla.
Molecular consequence: inframe insertion. On other transcripts: inframe indel (1).
Genome position (GRCh38, 1-based): chr11:118,436,706-118,436,714, CGGCGGCGG duplicated; duplicating any 9 consecutive bases within chr11:118,436,699-118,436,714 gives the same sequence; the position shown is the placement nearest the transcript's 3' end. VCF-style (leftmost placement, unchanged base first): chr11-118436698-C-CGCGGCGGCG. GRCh37 (hg19) VCF-style: chr11-118307413-C-CGCGGCGGCG.
Other names: c.188_190CGG[8], p.Ala67_Gly68insAlaAlaAla (NM_001412597.1); c.188CGG[8], p.Ala67_Gly68insAlaAlaAla (NM_005933.4).
Identifiers: ClinVar variation 1942572 (VCV001942572.2), dbSNP rs781936420, ClinGen allele CA6303198.

ClinVar aggregate classification (germline): Uncertain significance (1 of 4 stars; one submission).

Submission:

Labcorp Genetics (formerly Invitae), Labcorp
Classification: Uncertain significance. Last evaluated: 2022-06-13. Review status: criteria provided, single submitter. Criteria: Invitae Variant Classification Sherloc (09022015). Collection method: clinical testing. Allele origin: germline.
Comment: This variant, c.194_202dup, results in the insertion of 3 amino acid(s) of the KMT2A protein (p.Ala65_Ala67dup), but otherwise preserves the integrity of the reading frame. This variant is not present in population databases (gnomAD no frequency). This variant has not been reported in the literature in individuals affected with KMT2A-related conditions. In summary, the available evidence is currently insufficient to determine the role of this variant in disease. Therefore, it has been classified as a Variant of Uncertain Significance.